The following is an entry in ClinVar:

ClinVar aggregate classification (germline): Likely benign. Review status: reviewed by expert panel (3 of 4 stars). 3 submissions from 3 submitters: Likely benign (1). 2 of the submissions do not count toward it. Last evaluated 2024-07-11.

Conditions:
Hereditary thrombocytopenia and hematological cancer predisposition syndrome associated with RUNX1. Also called: Familial Platelet Disorder with Propensity to Acute Myelogenous Leukemia; Familial thrombocytopenia with propensity to acute myelogenous leukemia; PLATELET DISORDER, ASPIRIN-LIKE; RUNX1 Familial Platelet Disorder with Associated Myeloid Malignancies. Identifiers: Orphanet 71290, MedGen C1832388, MeSH C563324, MONDO:0100083, OMIM 601399.
Hereditary thrombocytopenia and hematologic cancer predisposition syndrome. Identifiers: Orphanet 71290, MedGen CN281654, MONDO:0011071.
Inborn genetic diseases. Identifiers: MedGen C0950123, MeSH D030342.

Submissions (3):

ClinGen Myeloid Malignancy Variant Curation Expert Panel
Classification: Likely benign for Hereditary thrombocytopenia and hematologic cancer predisposition syndrome. Last evaluated: 2024-07-11. Review status: reviewed by expert panel. Criteria: ClinGen MyeloMalig ACMG Specifications v2. Collection method: curation. Allele origin: germline. Inheritance: Autosomal dominant inheritance.
Comment: NM_001754.5(RUNX1): c.1137C>T (p.Thr379=) is a synonymous variant with a SpliceAI Δ score ≤ 0.20 (0.00) (BP4). Evolutionary conservation algorithms predict the site as not being conserved (PhyloP score -1.12745 < 2.0), and the variant is the reference nucleotide in 3 mammal species (BP7). This variant is completely absent from all population databases with at least 20x coverage for RUNX1 (PM2_supporting). In summary, this variant meets criteria to be classified as likely benign. ACMG/AMP criteria applied, as specified by the Myeloid Malignancy Variant Curation Expert Panel for RUNX1: BP4, BP7, PM2_supporting.

Ambry Genetics
Classification: Likely benign for Inborn genetic diseases. Last evaluated: 2025-02-04. Review status: criteria provided, single submitter. Criteria: Ambry Variant Classification Scheme 2023. Collection method: clinical testing. Allele origin: germline. Not counted in ClinVar's aggregate classification.

Labcorp Genetics (formerly Invitae), Labcorp
Classification: Likely benign for Hereditary thrombocytopenia and hematological cancer predisposition syndrome associated with RUNX1. Last evaluated: 2024-02-17. Review status: criteria provided, single submitter. Criteria: Invitae Variant Classification Sherloc (09022015). Collection method: clinical testing. Allele origin: germline. Not counted in ClinVar's aggregate classification.

NM_001754.5(RUNX1):c.1137C>T (p.Thr379=)

Gene: RUNX1 (RUNX family transcription factor 1; minus strand). Cytogenetic location: 21q22.12.
Variant type: single nucleotide variant.
Coding change: c.1137C>T on transcript NM_001754.5 (MANE Select); coding-DNA position 1137, C replaced by T.
Protein change: p.Thr379=; no amino-acid change (threonine 379 retained).
Molecular consequence: synonymous variant.
Genome position (GRCh38, 1-based): chr21:34,792,441, G>A on the plus strand (C>T on the coding strand, the complement: RUNX1 is on the minus strand). VCF-style: chr21-34792441-G-A. GRCh37 (hg19) VCF-style: chr21-36164738-G-A.
Other names: NM_001754.5(RUNX1):c.1137C>T; p.Thr379=; c.1056C>T, p.Thr352= (NM_001001890.3); c.1137C>T (NM_001754.4).
Identifiers: ClinVar variation 1153550 (VCV001153550.12), dbSNP rs2145876319, ClinGen allele CA512341282.
Genomic context (GRCh38, chr21:34,792,441, plus strand): 5'-GCTGGCTTGGAACGGGCCTCCCTGCGCTTGCGACGAGCCGGGGTAGGGCGGCGGCAGGTA[G>A]GTGTGGTAGCGCGTGGCCGAGCCCATGGCCGACATGCCGATGCCGATGCCCGAGGTGACC-3'
Protein context (NP_001745.2, residues 369-389): SAMGSATRYH[Thr379=]YLPPPYPGSS